The following is an entry in ClinVar:

NM_007186.6(CEP250):c.1717-3del

Genes: CEP250 (centrosomal protein 250; plus strand), CEP250-AS1 (CEP250 antisense RNA 1; minus strand). Cytogenetic location: 20q11.22.
Variant type: Deletion.
Coding change: c.1717-3del on transcript NM_007186.6 (MANE Select); 3 bases into the intron before coding-DNA position 1717, one base deleted (T; older notation c.1717-3delT).
Molecular consequence: intron variant.
Genome position (GRCh38, 1-based): chr20:35,476,446, T deleted; the last of 6 consecutive T bases (chr20:35,476,441-35,476,446); deleting any one gives the same sequence. VCF-style (leftmost placement, unchanged base first): chr20-35476440-GT-G. GRCh37 (hg19) VCF-style: chr20-34064265-GT-G.
Other names: c.-183-3del (NM_001318219.1); c.1717-3delT (NM_007186.5).
Identifiers: ClinVar variation 838040 (VCV000838040.12), dbSNP rs1470901100, ClinGen allele CA743912349.
Genomic context (GRCh38, chr20:35,476,440, plus strand): 5'-GAATGTGAACTGTTTACTGTTCCAGGAAAATTGGAAATATGAAACTCTTTAATCCTTTTT[GT>G]TTTTTAGGCAGAGCAGTCAATTGCAGAGCTGTCGAGTTCTGAAAACACCCTGAAGACAGA-3'

ClinVar aggregate classification (germline): Uncertain significance. Review status: criteria provided, single submitter (1 of 4 stars). 2 submissions from 2 submitters: Uncertain significance (1). 1 of the submissions does not count toward it. Last evaluated 2022-07-03.

Conditions:
CEP250-related disorder. Also called: CEP250-related condition.

Submissions (2):

Labcorp Genetics (formerly Invitae), Labcorp
Classification: Uncertain significance. Last evaluated: 2022-07-03. Review status: criteria provided, single submitter. Criteria: Invitae Variant Classification Sherloc (09022015). Collection method: clinical testing. Allele origin: germline.
Comment: In summary, the available evidence is currently insufficient to determine the role of this variant in disease. Therefore, it has been classified as a Variant of Uncertain Significance. Variants that disrupt the consensus splice site are a relatively common cause of aberrant splicing (PMID: 17576681, 9536098). Algorithms developed to predict the effect of sequence changes on RNA splicing suggest that this variant is not likely to affect RNA splicing. ClinVar contains an entry for this variant (Variation ID: 838040). This variant has not been reported in the literature in individuals affected with CEP250-related conditions. This variant is not present in population databases (gnomAD no frequency). This sequence change falls in intron 15 of the CEP250 gene. It does not directly change the encoded amino acid sequence of the CEP250 protein. It affects a nucleotide within the consensus splice site.

PreventionGenetics, part of Exact Sciences
Classification: Likely benign for CEP250-related condition. Last evaluated: 2020-06-23. Review status: no assertion criteria provided. Collection method: clinical testing. Allele origin: germline. Not counted in ClinVar's aggregate classification.
Comment: This variant is classified as likely benign based on ACMG/AMP sequence variant interpretation guidelines (Richards et al. 2015 PMID: 25741868, with internal and published modifications).

Literature cited by the submitters: PubMed 17576681 (cited by Labcorp Genetics (formerly Invitae), Labcorp); PubMed 9536098 (cited by Labcorp Genetics (formerly Invitae), Labcorp).